The following is an entry in ClinVar:

ClinVar aggregate classification (germline): Uncertain significance (1 of 4 stars; one submission).

Allele frequency attached by ClinVar (database versions not stated): gnomAD exomes below 0.00001; TOPMed below 0.00001.
gnomAD v4.1: 1 of 1,614,010 alleles (0.000062%); highest among the groups gnomAD compares: Admixed American, 0.0017%; no homozygotes.

Submission:

GeneDx
Classification: Uncertain significance. Last evaluated: 2017-01-23. Review status: criteria provided, single submitter. Criteria: GeneDx Variant Classification (06012015). Collection method: clinical testing. Allele origin: germline. Affected: yes.
Comment: The H11Q variant in the AGK gene has not been reported previously as a pathogenic variant, nor as a benign variant, to our knowledge. This variant was not observed in approximately 6,500 individuals of European and African American ancestry in the NHLBI Exome Sequencing Project, indicating it is not a common benign variant in these populations. The H11Q variant is a semi-conservative amino acid substitution, which may impact secondary protein structure as these residues differ in some properties. This substitution occurs at a position that is conserved across species, and in silico analysis predicts this variant is probably damaging to the protein structure/function. Based on currently available evidence, we interpret H11Q as a variant of uncertain significance.

NM_018238.4(AGK):c.33C>A (p.His11Gln)

Gene: AGK (acylglycerol kinase; plus strand). Cytogenetic location: 7q34.
Variant type: single nucleotide variant.
Coding change: c.33C>A on transcript NM_018238.4 (MANE Select); coding-DNA position 33, C replaced by A.
Protein change: p.His11Gln; replaces histidine 11 with glutamine.
Molecular consequence: missense variant.
Genome position (GRCh38, 1-based): chr7:141,555,499, C>A. VCF-style: chr7-141555499-C-A. GRCh37 (hg19) VCF-style: chr7-141255299-C-A.
Other names: c.33C>A, p.His11Gln (NM_001364948.3); short protein forms H11Q.
Identifiers: ClinVar variation 393164 (VCV000393164.2), dbSNP rs1057524817, ClinGen allele CA16605677.
Genomic context (GRCh38, chr7:141,555,499, plus strand): 5'-CTCTACTAACCTAGCAAATCTCTAGAAGATGACGGTGTTCTTTAAAACGCTTCGAAATCA[C>A]TGGAAGAAAACTACAGCTGGGCTCTGCCTGCTGACCTGGGGAGGCCATTGGCTCTATGGA-3'
Protein context (NP_060708.1, residues 1-21): MTVFFKTLRN[His11Gln]WKKTTAGLCL